The following is an entry in ClinVar:

NM_000204.5(CFI):c.1582C>A (p.Pro528Thr)

Gene: CFI (complement factor I; minus strand). Cytogenetic location: 4q25.
Variant type: single nucleotide variant.
Coding change: c.1582C>A on transcript NM_000204.5 (MANE Select); coding-DNA position 1582, C replaced by A.
Protein change: p.Pro528Thr; replaces proline 528 with threonine.
Molecular consequence: missense variant. On other transcripts: 3 prime UTR variant (2), non-coding transcript variant (3), intron variant (7).
Genome position (GRCh38, 1-based): chr4:109,741,063, G>T on the plus strand (C>A on the coding strand, the complement: CFI is on the minus strand). VCF-style: chr4-109741063-G-T. GRCh37 (hg19) VCF-style: chr4-110662219-G-T.
Other names: c.1606C>A, p.Pro536Thr (NM_001318057.2); c.1561C>A, p.Pro521Thr (NM_001331035.2); c.1525C>A, p.Pro509Thr (NM_001375283.1); c.973C>A, p.Pro325Thr (NM_001375284.1); c.1603C>A, p.Pro535Thr (NM_001440986.1); c.*282C>A (NM_001440989.1, NM_001440991.1); c.1513+1428C>A (NM_001375282.1, NM_001375280.1); c.1534+1428C>A (NM_001375281.1, NM_001375279.1); and 2 more; short protein forms P325T, P509T, P521T, P528T, P535T, P536T.
Identifiers: ClinVar variation 4280524 (VCV004280524.2).

ClinVar aggregate classification (germline): Uncertain significance (1 of 4 stars; one submission).

Conditions:
CFI-related disorder. Also called: CFI-related condition; CFI-related disorders. Identifiers: MedGen CN239325.

Submission:

Genomenon, Inc
Classification: Uncertain significance for CFI-related disorder. Last evaluated: 2026-09-17. Review status: criteria provided, single submitter. Criteria: Genomenon Sequence Variant Interpretation Standards - Updated. Collection method: curation. Allele origin: germline. Affected: no.
Comment: CFI p.Pro528Thr (c.1582C>A) is a missense variant that changes the amino acid at codon 528 from Proline to Threonine. This variant has been reported in the published literature (PMID:38852887). This variant is located in a mutational hotspot and/or important functional domain. It is absent or not present at a significant frequency in gnomAD. In silico models predict that this variant is possibly or probably damaging. In conclusion, we classify CFI p.Pro528Thr (c.1582C>A) as a variant of uncertain significance.

Literature cited by the submitters: PubMed 38852887.